The following is an entry in ClinVar:

NM_003136.4(SRP54):c.789C>T (p.Val263=)

Gene: SRP54 (signal recognition particle 54; plus strand). Cytogenetic location: 14q13.2.
Variant type: single nucleotide variant.
Coding change: c.789C>T on transcript NM_003136.4 (MANE Select); coding-DNA position 789, C replaced by T.
Protein change: p.Val263=; no amino-acid change (valine 263 retained).
Molecular consequence: synonymous variant.
Genome position (GRCh38, 1-based): chr14:35,013,805, C>T. VCF-style: chr14-35013805-C-T. GRCh37 (hg19) VCF-style: chr14-35483011-C-T.
Other names: c.642C>T, p.Val214= (NM_001146282.2); c.789C>T, p.Val263= (NM_001411017.1).
Identifiers: ClinVar variation 2884289 (VCV002884289.4), dbSNP rs752763811, ClinGen allele CA7153685.

ClinVar aggregate classification (germline): Likely benign. Review status: criteria provided, multiple submitters, no conflicts (2 of 4 stars). 2 submissions from 2 submitters: Likely benign (2). Last evaluated 2026-08-01.

Allele frequency attached by ClinVar (database versions not stated): ExAC 0.00002; TOPMed 0.00003; gnomAD 0.00001.
gnomAD v4.1: 65 of 1,604,248 alleles (0.0041%); highest among the groups gnomAD compares: Non-Finnish European, 0.0048%; no homozygotes.

Submissions (2):

CeGaT Center for Human Genetics Tuebingen
Classification: Likely benign. Last evaluated: 2026-08-01. Review status: criteria provided, single submitter. Criteria: CeGaT Center For Human Genetics Tuebingen Variant Classification Criteria Version 2. Collection method: clinical testing. Allele origin: germline. Affected: yes. Observed: 1 variant allele.
Comment: SRP54: BP4, BP7

Labcorp Genetics (formerly Invitae), Labcorp
Classification: Likely benign. Last evaluated: 2025-09-04. Review status: criteria provided, single submitter. Criteria: Invitae Variant Classification Sherloc (09022015). Collection method: clinical testing. Allele origin: germline.